The following is an entry in ClinVar:

ClinVar aggregate classification (germline): Uncertain significance (1 of 4 stars; one submission).

Conditions:
Cutis laxa, autosomal dominant 3 (ADCL3). Identifiers: Orphanet 90348, MedGen C4225268, MONDO:0014706, OMIM 616603.
Autosomal dominant spastic paraplegia type 9. Identifiers: MedGen C1832669, MONDO:0015091.
de Barsy syndrome. Also called: Cutis laxa-corneal clouding-oligophrenia syndrome. Identifiers: Orphanet 2962, MedGen C0268354, MONDO:0017569.

gnomAD v4.1: 1 of 1,614,200 alleles (0.000062%); highest among the groups gnomAD compares: Non-Finnish European, 0.000085%; no homozygotes.

Submission:

Labcorp Genetics (formerly Invitae), Labcorp
Classification: Uncertain significance for Autosomal dominant spastic paraplegia type 9; de Barsy syndrome; Cutis laxa, autosomal dominant 3. Last evaluated: 2025-12-22. Review status: criteria provided, single submitter. Criteria: Invitae Variant Classification Sherloc (09022015). Collection method: clinical testing. Allele origin: germline.
Comment: This sequence change replaces valine, which is neutral and non-polar, with isoleucine, which is neutral and non-polar, at codon 120 of the ALDH18A1 protein (p.Val120Ile). This variant is not present in population databases (gnomAD no frequency). This variant has not been reported in the literature in individuals affected with ALDH18A1-related conditions. Invitae Evidence Modeling of protein sequence and biophysical properties (such as structural, functional, and spatial information, amino acid conservation, physicochemical variation, residue mobility, and thermodynamic stability) has been performed for this missense variant. However, the output from this modeling did not meet the statistical confidence thresholds required to predict the impact of this variant on ALDH18A1 protein function. This variant disrupts the p.Val120 amino acid residue in ALDH18A1. Other variant(s) that disrupt this residue have been determined to be pathogenic (PMID: 26026163). This suggests that this residue is clinically significant, and that variants that disrupt this residue are likely to be disease-causing. In summary, the available evidence is currently insufficient to determine the role of this variant in disease. Therefore, it has been classified as a Variant of Uncertain Significance.

Literature cited by the submitters: PubMed 26026163.

NM_002860.4(ALDH18A1):c.358G>A (p.Val120Ile)

Gene: ALDH18A1 (aldehyde dehydrogenase 18 family member A1; minus strand). Cytogenetic location: 10q24.1.
Variant type: single nucleotide variant.
Coding change: c.358G>A on transcript NM_002860.4 (MANE Select); coding-DNA position 358, G replaced by A.
Protein change: p.Val120Ile; replaces valine 120 with isoleucine.
Molecular consequence: missense variant. On other transcripts: intron variant (1).
Genome position (GRCh38, 1-based): chr10:95,637,382, C>T on the plus strand (G>A on the coding strand, the complement: ALDH18A1 is on the minus strand). VCF-style: chr10-95637382-C-T. GRCh37 (hg19) VCF-style: chr10-97397139-C-T.
Other names: c.358G>A, p.Val120Ile (NM_001017423.2, NM_001323413.2, NM_001323414.2 and 2 more transcripts); c.25G>A, p.Val9Ile (NM_001323412.2, NM_001323416.2, NM_001323418.2); c.-78-3733G>A (NM_001323419.2); short protein forms V120I, V9I.
Identifiers: ClinVar variation 4788171 (VCV004788171.1).